The following is an entry in ClinVar:

ClinVar aggregate classification (germline): Uncertain significance (1 of 4 stars; one submission).

Conditions:
T-B+ severe combined immunodeficiency due to JAK3 deficiency. Also called: SCID, autosomal recessive, T-negative/B-positive type; SCID, T CELL-NEGATIVE, B CELL-POSITIVE, NK CELL-NEGATIVE. Identifiers: Orphanet 35078, MedGen C1833275, MONDO:0010938, OMIM 600802.

Submission:

Labcorp Genetics (formerly Invitae), Labcorp
Classification: Uncertain significance for T-B+ severe combined immunodeficiency due to JAK3 deficiency. Last evaluated: 2021-08-04. Review status: criteria provided, single submitter. Criteria: Invitae Variant Classification Sherloc (09022015). Collection method: clinical testing. Allele origin: germline.
Comment: This sequence change replaces arginine with leucine at codon 840 of the JAK3 protein (p.Arg840Leu). The arginine residue is highly conserved and there is a moderate physicochemical difference between arginine and leucine. This variant is present in population databases (rs140837014, ExAC 0.003%). This variant has not been reported in the literature in individuals affected with JAK3-related conditions. Advanced modeling of protein sequence and biophysical properties (such as structural, functional, and spatial information, amino acid conservation, physicochemical variation, residue mobility, and thermodynamic stability) performed at Invitae indicates that this missense variant is expected to disrupt JAK3 protein function. In summary, the available evidence is currently insufficient to determine the role of this variant in disease. Therefore, it has been classified as a Variant of Uncertain Significance.

NM_000215.4(JAK3):c.2519G>T (p.Arg840Leu)

Gene: JAK3 (Janus kinase 3; minus strand). Cytogenetic location: 19p13.11.
Variant type: single nucleotide variant.
Coding change: c.2519G>T on transcript NM_000215.4 (MANE Select); coding-DNA position 2519, G replaced by T.
Protein change: p.Arg840Leu; replaces arginine 840 with leucine.
Molecular consequence: missense variant.
Genome position (GRCh38, 1-based): chr19:17,832,680, C>A on the plus strand (G>T on the coding strand, the complement: JAK3 is on the minus strand). VCF-style: chr19-17832680-C-A. GRCh37 (hg19) VCF-style: chr19-17943489-C-A.
Other names: short protein forms R840L.
Identifiers: ClinVar variation 1402296 (VCV001402296.3), dbSNP rs140837014, ClinGen allele CA9301581.